The following is an entry in ClinVar:

NM_000574.5(CD55):c.679G>C (p.Ala227Pro)

Gene: CD55 (CD55 molecule (Cromer blood group); plus strand). Cytogenetic location: 1q32.2.
Variant type: single nucleotide variant.
Coding change: c.679G>C on transcript NM_000574.5 (MANE Select); coding-DNA position 679, G replaced by C.
Protein change: p.Ala227Pro; replaces alanine 227 with proline.
Molecular consequence: missense variant. On other transcripts: non-coding transcript variant (1).
Genome position (GRCh38, 1-based): chr1:207,331,122, G>C. VCF-style: chr1-207331122-G-C. GRCh37 (hg19) VCF-style: chr1-207504467-G-C.
Other names: p.Ala227Pro; c.679G>C, p.Ala227Pro (NM_001114752.3, NM_001300902.2, NM_001300903.2 and 1 more transcripts); short protein forms A227P.
Identifiers: ClinVar variation 1164353 (VCV001164353.12), dbSNP rs60822373, ClinGen allele CA1368076.

ClinVar aggregate classification (germline): Benign/Likely benign. Review status: criteria provided, multiple submitters, no conflicts (2 of 4 stars). 4 submissions from 4 submitters: Benign (3); Likely benign (1). Last evaluated 2026-01-22.

Allele frequency attached by ClinVar (database versions not stated): 1000 Genomes Project 0.00619; ESP Exome Variant Server 0.00684; 1000 Genomes Project 30x 0.00703.
gnomAD v4.1: 1,748 of 1,611,430 alleles (0.11%); highest among the groups gnomAD compares: African/African-American, 1.8%; 18 homozygotes.

Submissions (4):

Women's Health and Genetics/Laboratory Corporation of America, LabCorp
Classification: Likely benign. Last evaluated: 2026-01-22. Review status: criteria provided, single submitter. Criteria: LabCorp Variant Classification Summary - May 2015. Collection method: clinical testing. Allele origin: germline.

Labcorp Genetics (formerly Invitae), Labcorp
Classification: Benign. Last evaluated: 2026-01-19. Review status: criteria provided, single submitter. Criteria: Invitae Variant Classification Sherloc (09022015). Collection method: clinical testing. Allele origin: germline.

Mayo Clinic Laboratories, Mayo Clinic
Classification: Benign. Last evaluated: 2024-10-05. Review status: criteria provided, single submitter. Criteria: ACMG Guidelines, 2015. Collection method: clinical testing. Allele origin: germline. Observed: 3 variant alleles.
Comment: BS2

Breakthrough Genomics
Classification: Benign. Review status: criteria provided, single submitter. Criteria: ACMG Guidelines, 2015. Collection method: not provided. Allele origin: germline. Inheritance: Autosomal recessive inheritance. Affected: yes.

Literature cited by the submitters: PubMed 10686005 (cited by Mayo Clinic Laboratories, Mayo Clinic).